The following is an entry in ClinVar:

NM_014875.3(KIF14):c.843T>C (p.Cys281=)

Gene: KIF14 (kinesin family member 14; minus strand). Cytogenetic location: 1q32.1.
Variant type: single nucleotide variant.
Coding change: c.843T>C on transcript NM_014875.3 (MANE Select); coding-DNA position 843, T replaced by C.
Protein change: p.Cys281=; no amino-acid change (cysteine 281 retained).
Molecular consequence: synonymous variant. On other transcripts: 5 prime UTR variant (1).
Genome position (GRCh38, 1-based): chr1:200,617,881, A>G on the plus strand (T>C on the coding strand, the complement: KIF14 is on the minus strand). VCF-style: chr1-200617881-A-G. GRCh37 (hg19) VCF-style: chr1-200587009-A-G.
Other names: c.-543T>C (NM_001305792.1).
Identifiers: ClinVar variation 3052152 (VCV003052152.3), dbSNP rs1660484573, ClinGen allele CA422810955.
Genomic context (GRCh38, chr1:200,617,881, plus strand): 5'-TGGAGCTGGGCTCTTAAGCTGAGGCAGGCTGCACTTTGTTGTCAGTTTGTGTTCTGTTGT[A>G]CATTTTGTAGGTGTTCTTTTTTCTAAGCTCCCAAATTTATTTGAAGTTTTTGCAATTTCC-3'
Protein context (NP_055690.1, residues 271-291): GSLEKRTPTK[Cys281=]TTEHKLTTKC

ClinVar aggregate classification (germline): Likely benign. Review status: criteria provided, single submitter (1 of 4 stars). 2 submissions from 2 submitters: Likely benign (1). 1 of the submissions does not count toward it. Last evaluated 2024-11-15.

Conditions:
KIF14-related disorder. Also called: KIF14-related condition.

Allele frequency attached by ClinVar (database versions not stated): gnomAD exomes below 0.00001.

Submissions (2):

Blueprint Genetics
Classification: Likely benign. Last evaluated: 2024-11-15. Review status: criteria provided, single submitter. Criteria: ACMG Guidelines, 2015. Collection method: clinical testing. Allele origin: germline.

PreventionGenetics, part of Exact Sciences
Classification: Likely benign for KIF14-related condition. Last evaluated: 2019-02-20. Review status: no assertion criteria provided. Collection method: clinical testing. Allele origin: germline. Not counted in ClinVar's aggregate classification.
Comment: This variant is classified as likely benign based on ACMG/AMP sequence variant interpretation guidelines (Richards et al. 2015 PMID: 25741868, with internal and published modifications).